The following is an entry in ClinVar:

NM_001376.5(DYNC1H1):c.774+2_774+5del

Gene: DYNC1H1 (dynein cytoplasmic 1 heavy chain 1; plus strand). Cytogenetic location: 14q32.31.
Variant type: Deletion.
Coding change: c.774+2_774+5del on transcript NM_001376.5 (MANE Select); the canonical splice donor site of the intron after coding-DNA position 774 through 5 bases into the intron after coding-DNA position 774, 4 bases deleted (TAAG; older notation c.774+2_774+5delTAAG).
Molecular consequence: splice donor variant.
Genome position (GRCh38, 1-based): chr14:101,979,976-101,979,979, TAAG deleted; deleting any 4 consecutive bases within chr14:101,979,973-101,979,979 gives the same sequence; the c. name uses the placement nearest the transcript's 3' end. VCF-style (leftmost placement, unchanged base first): chr14-101979972-AAAGT-A. GRCh37 (hg19) VCF-style: chr14-102446309-AAAGT-A.
Identifiers: ClinVar variation 2839984 (VCV002839984.3), dbSNP rs2503679613, ClinGen allele CA2739278622.

ClinVar aggregate classification (germline): Uncertain significance (1 of 4 stars; one submission).

Conditions:
Charcot-Marie-Tooth disease axonal type 2O. Also called: CHARCOT-MARIE-TOOTH NEUROPATHY, AXONAL, TYPE 2O; CHARCOT-MARIE-TOOTH DISEASE, AXONAL, AUTOSOMAL DOMINANT, TYPE 2O; Charcot-Marie-Tooth Neuropathy Type 2O; Charcot-Marie-Tooth disease, axonal, type 20. Identifiers: Orphanet 284232, MedGen C3280220, MONDO:0013644, OMIM 614228.

Submission:

Labcorp Genetics (formerly Invitae), Labcorp
Classification: Uncertain significance for Charcot-Marie-Tooth disease axonal type 2O. Last evaluated: 2023-02-22. Review status: criteria provided, single submitter. Criteria: Invitae Variant Classification Sherloc (09022015). Collection method: clinical testing. Allele origin: germline.
Comment: This sequence change affects a splice site in intron 4 of the DYNC1H1 gene. It is expected to disrupt RNA splicing. Variants that disrupt the donor or acceptor splice site typically lead to a loss of protein function (PMID: 16199547), however the current clinical and genetic evidence is not sufficient to establish whether loss-of-function variants in DYNC1H1 cause disease. This variant is not present in population databases (gnomAD no frequency). This variant has not been reported in the literature in individuals affected with DYNC1H1-related conditions. Algorithms developed to predict the effect of sequence changes on RNA splicing suggest that this variant may disrupt the consensus splice site. In summary, the available evidence is currently insufficient to determine the role of this variant in disease. Therefore, it has been classified as a Variant of Uncertain Significance.

Literature cited by the submitters: PubMed 16199547.